The following is an entry in ClinVar:

NM_000136.3(FANCC):c.979G>C (p.Glu327Gln)

Genes: AOPEP (aminopeptidase O (putative); plus strand), FANCC (FA complementation group C; minus strand). Cytogenetic location: 9q22.32.
Variant type: single nucleotide variant.
Coding change: c.979G>C on transcript NM_000136.3 (MANE Select); coding-DNA position 979, G replaced by C.
Protein change: p.Glu327Gln; replaces glutamic acid 327 with glutamine.
Molecular consequence: missense variant.
Genome position (GRCh38, 1-based): chr9:95,125,103, C>G on the plus strand (G>C on the coding strand, the complement: FANCC is on the minus strand). VCF-style: chr9-95125103-C-G. GRCh37 (hg19) VCF-style: chr9-97887385-C-G.
Other names: c.979G>C, p.Glu327Gln (NM_001243743.2, NM_001243744.2); short protein forms E327Q.
Identifiers: ClinVar variation 3277652 (VCV003277652.1).
Genomic context (GRCh38, chr9:95,125,103, plus strand): 5'-TTATTCTCTGGGATGAATGAGTAATATATGTGATATAACAAACCTGCTTGCTTGCTTTCT[C>G]CAGAGCTTCTACAAAGCACTGCGTAAACACCTGAATAGTGGCTATGATTTCCAGGGCCCC-3'
Protein context (NP_000127.2, residues 317-337): VFTQCFVEAL[Glu327Gln]KASKQLRFAL

ClinVar aggregate classification (germline): Uncertain significance (1 of 4 stars; one submission).

Conditions:
Hereditary cancer-predisposing syndrome. Also called: Tumor predisposition; Hereditary Cancer Syndrome; Hereditary neoplastic syndrome; Neoplastic Syndromes, Hereditary. Identifiers: Orphanet 140162, MedGen C0027672, MeSH D009386, MONDO:0015356.

gnomAD v4.1: 1 of 1,614,086 alleles (0.000062%); highest among the groups gnomAD compares: Non-Finnish European, 0.000085%; no homozygotes.

Submission:

Ambry Genetics
Classification: Uncertain significance for Hereditary cancer-predisposing syndrome. Last evaluated: 2024-06-09. Review status: criteria provided, single submitter. Criteria: Ambry Variant Classification Scheme 2023. Collection method: clinical testing. Allele origin: germline.
Comment: The p.E327Q variant (also known as c.979G>C), located in coding exon 9 of the FANCC gene, results from a G to C substitution at nucleotide position 979. The glutamic acid at codon 327 is replaced by glutamine, an amino acid with highly similar properties. This amino acid position is conserved. In addition, this alteration is predicted to be tolerated by in silico analysis. Based on the available evidence, the clinical significance of this variant remains unclear.